The following is an entry in ClinVar:

ClinVar aggregate classification (germline): Uncertain significance (1 of 4 stars; one submission).

Conditions:
Epidermolysis bullosa simplex 3, localized or generalized intermediate, with BP230 deficiency (EBS3). Also called: Epidermolysis bullosa simplex due to BP230 deficiency; Epidermolysis bullosa simplex, autosomal recessive 2. Identifiers: Orphanet 412181, MedGen C3809470, MONDO:0014180, OMIM 615425.
Hereditary sensory and autonomic neuropathy type 6. Also called: Neuropathy, hereditary sensory and autonomic, type VI; HSAN VI. Identifiers: Orphanet 314381, MedGen C3539003, MONDO:0013839, OMIM 614653.

Submission:

Labcorp Genetics (formerly Invitae), Labcorp
Classification: Uncertain significance for Epidermolysis bullosa simplex 3, localized or generalized intermediate, with BP230 deficiency; Hereditary sensory and autonomic neuropathy type 6. Last evaluated: 2021-06-14. Review status: criteria provided, single submitter. Criteria: Invitae Variant Classification Sherloc (09022015). Collection method: clinical testing. Allele origin: germline.
Comment: This sequence change replaces lysine with threonine at codon 3740 of the DST protein (p.Lys3740Thr). The DST gene has multiple clinically relevant transcripts. This variant occurs in alternate transcript NM_015548.4, and corresponds to NM_001723.5:c.*106837A>C in the primary transcript. This variant is not present in population databases (ExAC no frequency). This variant has not been reported in the literature in individuals with DST-related conditions. Experimental studies and prediction algorithms are not available or were not evaluated, and the functional significance of this variant is currently unknown. In summary, the available evidence is currently insufficient to determine the role of this variant in disease. Therefore, it has been classified as a Variant of Uncertain Significance.

NM_001374736.1(DST):c.19088A>C (p.Lys6363Thr)

Gene: DST (dystonin; minus strand). Cytogenetic location: 6p12.1.
Variant type: single nucleotide variant.
Coding change: c.19088A>C on transcript NM_001374736.1 (MANE Select); coding-DNA position 19088, A replaced by C.
Protein change: p.Lys6363Thr; replaces lysine 6363 with threonine.
Molecular consequence: missense variant.
Genome position (GRCh38, 1-based): chr6:56,508,680, T>G on the plus strand (A>C on the coding strand, the complement: DST is on the minus strand). VCF-style: chr6-56508680-T-G. GRCh37 (hg19) VCF-style: chr6-56373478-T-G.
Other names: c.12731A>C, p.Lys4244Thr (NM_001144769.5); c.12317A>C, p.Lys4106Thr (NM_001144770.2); c.19088A>C, p.Lys6363Thr (NM_001374722.1); c.18128A>C, p.Lys6043Thr (NM_001374729.1); c.11870A>C, p.Lys3957Thr (NM_001374730.1); c.19115A>C, p.Lys6372Thr (NM_001374734.1); c.12197A>C, p.Lys4066Thr (NM_001386100.1, NM_183380.4); c.11219A>C, p.Lys3740Thr (NM_015548.5); short protein forms K4066T, K6043T, K6363T, K3740T, K3957T, K6372T, K4106T, K4244T.
Identifiers: ClinVar variation 1495883 (VCV001495883.3), dbSNP rs774928789, ClinGen allele CA364523655.